The following is an entry in ClinVar:

NM_182914.3(SYNE2):c.16772G>T (p.Gly5591Val)

Gene: SYNE2 (spectrin repeat containing nuclear envelope protein 2; plus strand). Cytogenetic location: 14q23.2.
Variant type: single nucleotide variant.
Coding change: c.16772G>T on transcript NM_182914.3 (MANE Select); coding-DNA position 16772, G replaced by T.
Protein change: p.Gly5591Val; replaces glycine 5591 with valine.
Molecular consequence: missense variant.
Genome position (GRCh38, 1-based): chr14:64,167,506, G>T. VCF-style: chr14-64167506-G-T. GRCh37 (hg19) VCF-style: chr14-64634224-G-T.
Other names: c.16772G>T, p.Gly5591Val (NM_015180.6); short protein forms G5591V.
Identifiers: ClinVar variation 2073382 (VCV002073382.4), dbSNP rs1207857190, ClinGen allele CA389966531.

ClinVar aggregate classification (germline): Uncertain significance (1 of 4 stars; one submission).

Conditions:
Emery-Dreifuss muscular dystrophy 5, autosomal dominant (EDMD5). Also called: EMERY-DREIFUSS MUSCULAR DYSTROPHY 5. Identifiers: Orphanet 261, MedGen C2751805, MONDO:0013072, OMIM 612999.

Submission:

Labcorp Genetics (formerly Invitae), Labcorp
Classification: Uncertain significance for Emery-Dreifuss muscular dystrophy 5, autosomal dominant. Last evaluated: 2022-07-19. Review status: criteria provided, single submitter. Criteria: Invitae Variant Classification Sherloc (09022015). Collection method: clinical testing. Allele origin: germline.
Comment: In summary, the available evidence is currently insufficient to determine the role of this variant in disease. Therefore, it has been classified as a Variant of Uncertain Significance. Algorithms developed to predict the effect of sequence changes on RNA splicing suggest that this variant may create or strengthen a splice site. Algorithms developed to predict the effect of missense changes on protein structure and function are either unavailable or do not agree on the potential impact of this missense change (SIFT: "Deleterious"; PolyPhen-2: "Probably Damaging"; Align-GVGD: "Class C15"). This variant has not been reported in the literature in individuals affected with SYNE2-related conditions. This variant is not present in population databases (gnomAD no frequency). This sequence change replaces glycine, which is neutral and non-polar, with valine, which is neutral and non-polar, at codon 5591 of the SYNE2 protein (p.Gly5591Val).